The following is an entry in ClinVar:

ClinVar aggregate classification (germline): Pathogenic (1 of 4 stars; one submission).

Conditions:
Cardiac malformation, cleft lip/palate, microcephaly, and digital anomalies. Also called: CLEFT PALATE, CARDIAC DEFECTS, AND IMPAIRED INTELLECTUAL DEVELOPMENT. Identifiers: MedGen C1832950, MONDO:0010970, OMIM 600987.

Submission:

Pittsburgh Clinical Genomics Laboratory, University of Pittsburgh Medical Center
Classification: Pathogenic for Cardiac malformation, cleft lip/palate, microcephaly, and digital anomalies. Last evaluated: 2021-06-11. Review status: criteria provided, single submitter. Criteria: ACMG Guidelines, 2015. Collection method: clinical testing. Allele origin: germline. Inheritance: Autosomal dominant inheritance. Affected: yes.
Comment: This sequence variant is a single nucleotide substitution (C>T) that results in the generation of an early termition codon at position 152 of the MEIS2 protein. This variant is predicted to generate a non-functiol allele through the expression of a truncated protein or a loss of MEIS2 expression due to nonsense mediated decay. This is a de novo variant that has not been previously reported in individuals with MEIS2-related disease, in control population datasets (gnomAD database 0/~250,000 alleles), or in clinical variant repositories (ClinVar), to our knowledge. Because truncating variants are a known mechanism of disease for MEIS2 (PMID: 27225850), we consider this variant to be pathogenic. ACMG Criteria: PM2, PS2, PVS1

Literature cited by the submitters: PubMed 27225850.

NM_170675.5(MEIS2):c.454C>T (p.Gln152Ter)

Gene: MEIS2 (Meis homeobox 2; minus strand). Cytogenetic location: 15q14.
Variant type: single nucleotide variant.
Coding change: c.454C>T on transcript NM_170675.5 (MANE Select); coding-DNA position 454, C replaced by T.
Protein change: p.Gln152Ter; replaces glutamine 152 with a stop codon.
Molecular consequence: nonsense. On other transcripts: non-coding transcript variant (1).
Genome position (GRCh38, 1-based): chr15:37,094,562, G>A on the plus strand (C>T on the coding strand, the complement: MEIS2 is on the minus strand). VCF-style: chr15-37094562-G-A. GRCh37 (hg19) VCF-style: chr15-37386763-G-A.
Other names: c.454C>T, p.Gln152Ter (NM_001220482.2, NM_170674.5, NM_170676.5 and 1 more transcripts); c.415C>T, p.Gln139Ter (NM_002399.4, NM_172315.3); c.190C>T, p.Gln64Ter (NM_172316.3); short protein forms Q139*, Q152*, Q64*.
Identifiers: ClinVar variation 3376268 (VCV003376268.1).